The following is an entry in ClinVar:

NM_015189.3(EXOC6B):c.1948C>G (p.Arg650Gly)

Gene: EXOC6B (exocyst complex component 6B; minus strand). Cytogenetic location: 2p13.2.
Variant type: single nucleotide variant.
Coding change: c.1948C>G on transcript NM_015189.3 (MANE Select); coding-DNA position 1948, C replaced by G.
Protein change: p.Arg650Gly; replaces arginine 650 with glycine.
Molecular consequence: missense variant. On other transcripts: non-coding transcript variant (1).
Genome position (GRCh38, 1-based): chr2:72,465,192, G>C on the plus strand (C>G on the coding strand, the complement: EXOC6B is on the minus strand). VCF-style: chr2-72465192-G-C. GRCh37 (hg19) VCF-style: chr2-72692321-G-C.
Other names: c.1948C>G, p.Arg650Gly (NM_001321729.2, NM_001321731.2); c.1813C>G, p.Arg605Gly (NM_001321730.2, NM_001321733.2); c.1609C>G, p.Arg537Gly (NM_001321734.2); short protein forms R605G, R650G, R537G.
Identifiers: ClinVar variation 2155108 (VCV002155108.1), dbSNP rs368898383, ClinGen allele CA1708330.

ClinVar aggregate classification (germline): Uncertain significance (1 of 4 stars; one submission).

Allele frequency attached by ClinVar (database versions not stated): gnomAD 0.00001; ESP Exome Variant Server 0.00008.
gnomAD v4.1: 5 of 1,612,008 alleles (0.00031%); highest among the groups gnomAD compares: African/African-American, 0.0027%; no homozygotes.

Submission:

Labcorp Genetics (formerly Invitae), Labcorp
Classification: Uncertain significance. Last evaluated: 2022-03-13. Review status: criteria provided, single submitter. Criteria: Invitae Variant Classification Sherloc (09022015). Collection method: clinical testing. Allele origin: germline.
Comment: This sequence change replaces arginine, which is basic and polar, with glycine, which is neutral and non-polar, at codon 650 of the EXOC6B protein (p.Arg650Gly). This variant is present in population databases (rs368898383, gnomAD 0.0009%). This variant has not been reported in the literature in individuals affected with EXOC6B-related conditions. Experimental studies and prediction algorithms are not available or were not evaluated, and the functional significance of this variant is currently unknown. In summary, the available evidence is currently insufficient to determine the role of this variant in disease. Therefore, it has been classified as a Variant of Uncertain Significance.